The following is an entry in ClinVar:

NM_032607.3(CREB3L3):c.1239T>G (p.Asn413Lys)

Genes: CREB3L3 (cAMP responsive element binding protein 3 like 3; plus strand), LOC125371455 (Sharpr-MPRA regulatory region 11650; plus strand). Cytogenetic location: 19p13.3.
Variant type: single nucleotide variant.
Coding change: c.1239T>G on transcript NM_032607.3 (MANE Select); coding-DNA position 1239, T replaced by G.
Protein change: p.Asn413Lys; replaces asparagine 413 with lysine.
Molecular consequence: missense variant. On other transcripts: 3 prime UTR variant (1).
Genome position (GRCh38, 1-based): chr19:4,171,822, T>G. VCF-style: chr19-4171822-T-G. GRCh37 (hg19) VCF-style: chr19-4171819-T-G.
Other names: c.1236T>G, p.Asn412Lys (NM_001271995.2); c.1233T>G, p.Asn411Lys (NM_001271996.2); c.*118T>G (NM_001271997.2); short protein forms N412K, N411K, N413K.
Identifiers: ClinVar variation 1507235 (VCV001507235.6), dbSNP rs2145146367, ClinGen allele CA403410246.

ClinVar aggregate classification (germline): Uncertain significance (1 of 4 stars; one submission).

Allele frequency attached by ClinVar (database versions not stated): gnomAD exomes below 0.00001.
gnomAD v4.1: 2 of 1,613,590 alleles (0.00012%); highest among the groups gnomAD compares: Non-Finnish European, 0.00017%; no homozygotes.

Submission:

Labcorp Genetics (formerly Invitae), Labcorp
Classification: Uncertain significance. Last evaluated: 2021-09-24. Review status: criteria provided, single submitter. Criteria: Invitae Variant Classification Sherloc (09022015). Collection method: clinical testing. Allele origin: germline.
Comment: In summary, the available evidence is currently insufficient to determine the role of this variant in disease. Therefore, it has been classified as a Variant of Uncertain Significance. Algorithms developed to predict the effect of missense changes on protein structure and function (SIFT, PolyPhen-2, Align-GVGD) all suggest that this variant is likely to be tolerated. This variant has not been reported in the literature in individuals affected with CREB3L3-related conditions. This variant is not present in population databases (ExAC no frequency). This sequence change replaces asparagine with lysine at codon 413 of the CREB3L3 protein (p.Asn413Lys). The asparagine residue is weakly conserved and there is a moderate physicochemical difference between asparagine and lysine.